The following is an entry in ClinVar:

NM_198129.4(LAMA3):c.5119C>T (p.Gln1707Ter)

Gene: LAMA3 (laminin subunit alpha 3; plus strand). Cytogenetic location: 18q11.2.
Variant type: single nucleotide variant.
Coding change: c.5119C>T on transcript NM_198129.4 (MANE Select); coding-DNA position 5119, C replaced by T.
Protein change: p.Gln1707Ter; replaces glutamine 1707 with a stop codon.
Molecular consequence: nonsense.
Genome position (GRCh38, 1-based): chr18:23,881,942, C>T. VCF-style: chr18-23881942-C-T. GRCh37 (hg19) VCF-style: chr18-21461906-C-T.
Other names: c.292C>T, p.Gln98Ter (NM_000227.6, NM_001127718.4); c.5119C>T, p.Gln1707Ter (NM_001127717.4); short protein forms Q98*, Q1707*.
Identifiers: ClinVar variation 1441309 (VCV001441309.8), dbSNP rs1454998189, ClinGen allele CA402045178.
Genomic context (GRCh38, chr18:23,881,942, plus strand): 5'-CAGAAGTAGGGACTGTACTGGCTGCTGTGAATTGTGCTGTTCACCTGTCCCCAGAACTGT[C>T]AGCACAACACCGCGGGAGAGCACTGTGAACGCTGCCAGGAGGGCTACTATGGCAACGCCG-3'

ClinVar aggregate classification (germline): Pathogenic. Review status: criteria provided, multiple submitters, no conflicts (2 of 4 stars). 2 submissions from 2 submitters: Pathogenic (2). Last evaluated 2024-11-14.

Conditions:
Epidermolysis bullosa, junctional 2B, severe. Also called: EPIDERMOLYSIS BULLOSA, JUNCTIONAL 2B, GENERALIZED SEVERE; EPIDERMOLYSIS BULLOSA, JUNCTIONAL 2B, HERLITZ TYPE. Identifiers: MedGen C5676937, MONDO:0030747, OMIM 619784.

Submissions (2):

Victorian Clinical Genetics Services, Murdoch Childrens Research Institute
Classification: Pathogenic for Epidermolysis bullosa, junctional 2B, severe. Last evaluated: 2024-11-14. Review status: criteria provided, single submitter. Criteria: ACMG Guidelines, 2015. Collection method: clinical testing. Allele origin: germline. Affected: no.
Comment: This variant is classified as Pathogenic. Evidence in support of pathogenic classification: Variant is predicted to cause nonsense-mediated decay (NMD) and loss of protein (premature termination codon is located at least 54 nucleotides upstream of the final exon-exon junction); Variant is absent from gnomAD (v2, v3 and v4); This variant has limited previous evidence of pathogenicity in an unrelated individual. It has been classified once as pathogenic by a clinical laboratory (ClinVar); Other NMD-predicted variants comparable to the one identified in this case have very strong previous evidence for pathogenicity (ClinVar). Additional information: This variant is heterozygous; This gene is associated with autosomal recessive disease; No published segregation evidence has been identified for this variant; No published functional evidence has been identified for this variant; Loss of function is a known mechanism of disease in this gene and is associated with LAMA3-related conditions. Complete loss of function variants cause more severe disease (epidermolysis bullosa, junctional 2B, severe (MIM#619784), and epidermolysis bullosa, junctional 2C, laryngoonychocutaneous (MIM#245660)), while missense or splicing variants may lead to a milder phenotype (epidermolysis bullosa, junctional 2A, intermediate (MIM#619783)) (PMIDs: 23076207, 20301304).

Labcorp Genetics (formerly Invitae), Labcorp
Classification: Pathogenic. Last evaluated: 2021-11-06. Review status: criteria provided, single submitter. Criteria: Invitae Variant Classification Sherloc (09022015). Collection method: clinical testing. Allele origin: germline.
Comment: For these reasons, this variant has been classified as Pathogenic. This variant has not been reported in the literature in individuals affected with LAMA3-related conditions. This variant is not present in population databases (gnomAD no frequency). This sequence change creates a premature translational stop signal (p.Gln98*) in the LAMA3 gene. It is expected to result in an absent or disrupted protein product. Loss-of-function variants in LAMA3 are known to be pathogenic (PMID: 10366601, 11810295, 12915477, 16473856, 17362460, 22434185, 23869449, 27827380, 28087116).

Literature cited by the submitters: PubMed 20301304 (cited by Victorian Clinical Genetics Services, Murdoch Childrens Research Institute); PubMed 23076207 (cited by Victorian Clinical Genetics Services, Murdoch Childrens Research Institute); PubMed 10366601 (cited by Labcorp Genetics (formerly Invitae), Labcorp); PubMed 11810295 (cited by Labcorp Genetics (formerly Invitae), Labcorp); PubMed 12915477 (cited by Labcorp Genetics (formerly Invitae), Labcorp); PubMed 16473856 (cited by Labcorp Genetics (formerly Invitae), Labcorp); PubMed 17362460 (cited by Labcorp Genetics (formerly Invitae), Labcorp); PubMed 22434185 (cited by Labcorp Genetics (formerly Invitae), Labcorp); PubMed 23869449 (cited by Labcorp Genetics (formerly Invitae), Labcorp); PubMed 27827380 (cited by Labcorp Genetics (formerly Invitae), Labcorp); PubMed 28087116 (cited by Labcorp Genetics (formerly Invitae), Labcorp).